The following is an entry in ClinVar:

ClinVar aggregate classification (germline): Pathogenic (1 of 4 stars; one submission).

Conditions:
Autosomal recessive nonsyndromic hearing loss 4 (DFNB4). Also called: FOXI1-Related Pendred Syndrome; KCNJ10-Related Pendred Syndrome; Enlarged vestibular aqueduct, digenic; Deafness, autosomal recessive 4; NEUROSENSORY NONSYNDROMIC RECESSIVE DEAFNESS 4; DEAFNESS, AUTOSOMAL RECESSIVE 4, WITH ENLARGED VESTIBULAR AQUEDUCT, DIGENIC. Identifiers: Orphanet 90636, MedGen C3538946, MONDO:0010933, OMIM 600791.

Allele frequency attached by ClinVar (database versions not stated): gnomAD exomes below 0.00001.
gnomAD v4.1: 1 of 1,614,132 alleles (0.000062%); highest among the groups gnomAD compares: East Asian, 0.0022%; no homozygotes.

Submission:

UAEU Genomics Laboratory, United Arab Emirates University
Classification: Pathogenic for Autosomal recessive nonsyndromic hearing loss 4. Last evaluated: 2022-03-23. Review status: criteria provided, single submitter. Criteria: ACMG Guidelines, 2015. Collection method: research. Allele origin: germline. Affected: yes. Observed: 2 variant alleles.
Comment: The stop gained NM_000441.2(SLC26A4):c.248G>A (p.Trp83Ter) variant has been reported before in homozygous state (PMID: 28901477) or in combination with with another SLC26A4 variant in individuals affected with deafness ( PubMed: 30896630, PubMed: 32645618). The p.Trp83Ter variant is novel (not in any individuals) in gnomAD database. This variant is predicted to cause loss of normal protein function through protein truncation and/or mRNA decay. For these reasons, this variant has been classified as pathogenic.

Literature cited by the submitters: PubMed 30896630; PubMed 32645618.

NM_000441.2(SLC26A4):c.248G>A (p.Trp83Ter)

Gene: SLC26A4 (solute carrier family 26 member 4; plus strand). Cytogenetic location: 7q22.3.
Variant type: single nucleotide variant.
Coding change: c.248G>A on transcript NM_000441.2 (MANE Select); coding-DNA position 248, G replaced by A.
Protein change: p.Trp83Ter; replaces tryptophan 83 with a stop codon.
Molecular consequence: nonsense.
Genome position (GRCh38, 1-based): chr7:107,663,379, G>A. VCF-style: chr7-107663379-G-A. GRCh37 (hg19) VCF-style: chr7-107303824-G-A.
Other names: short protein forms W83*.
Identifiers: ClinVar variation 2502901 (VCV002502901.2), dbSNP rs2535281491, ClinGen allele CA368845512.
Genomic context (GRCh38, chr7:107,663,379, plus strand): 5'-GTGTGCTAAAGACTCTTGTGCCCATCTTGGAGTGGCTCCCCAAATACCGAGTCAAGGAAT[G>A]GCTGCTTAGTGACGTCATTTCGGGAGTTAGTACTGGGCTAGTGGCCACGCTGCAAGGTAA-3'